The following is an entry in ClinVar:

ClinVar aggregate classification (germline): Pathogenic (1 of 4 stars; one submission).

Conditions:
Cone-rod dystrophy. Also called: Cone-rod degeneration; Cone/cone-rod dystrophy. Identifiers: Orphanet 1872, MedGen C4085590, MONDO:0015993, HP:0000548.

Submission:

Lab De Baere, Eye and Developmental Genetics Lab, Ghent University
Classification: Pathogenic for Cone-rod dystrophy. Last evaluated: 2024-10-01. Review status: criteria provided, single submitter. Criteria: ACMG Guidelines, 2015. Collection method: research. Allele origin: inherited. Affected: yes. Observed: 1 variant allele.
Comment: ACMG/AMP guidelines: PM2, PP4_PP, PVS1, PM3_PP

NM_006017.3(PROM1):c.1623T>A (p.Tyr541Ter)

Gene: PROM1 (prominin 1; minus strand). Cytogenetic location: 4p15.32.
Variant type: single nucleotide variant.
Coding change: c.1623T>A on transcript NM_006017.3 (MANE Select); coding-DNA position 1623, T replaced by A.
Protein change: p.Tyr541Ter; replaces tyrosine 541 with a stop codon.
Molecular consequence: nonsense.
Genome position (GRCh38, 1-based): chr4:15,998,444, A>T on the plus strand (T>A on the coding strand, the complement: PROM1 is on the minus strand). VCF-style: chr4-15998444-A-T. GRCh37 (hg19) VCF-style: chr4-16000067-A-T.
Other names: c.1596T>A, p.Tyr532Ter (NM_001145847.2, NM_001145848.2, NM_001145851.2 and 4 more transcripts); c.1623T>A, p.Tyr541Ter (NM_001145849.2, NM_001145850.2); short protein forms Y532*, Y541*.
Identifiers: ClinVar variation 3544457 (VCV003544457.1).